The following is an entry in ClinVar:

NM_181675.4(PPP2R2B):c.139C>G (p.Arg47Gly)

Gene: PPP2R2B (protein phosphatase 2 regulatory subunit Bbeta; minus strand). Cytogenetic location: 5q32.
Variant type: single nucleotide variant.
Coding change: c.139C>G on transcript NM_181675.4 (MANE Select); coding-DNA position 139, C replaced by G.
Protein change: p.Arg47Gly; replaces arginine 47 with glycine.
Molecular consequence: missense variant.
Genome position (GRCh38, 1-based): chr5:146,701,074, G>C on the plus strand (C>G on the coding strand, the complement: PPP2R2B is on the minus strand). VCF-style: chr5-146701074-G-C. GRCh37 (hg19) VCF-style: chr5-146080637-G-C.
Other names: c.157C>G, p.Arg53Gly (NM_001271899.1); c.313C>G, p.Arg105Gly (NM_001271900.2); c.106C>G, p.Arg36Gly (NM_001271948.2, NM_181678.2); c.139C>G, p.Arg47Gly (NM_001428277.1, NM_001428279.1); c.337C>G, p.Arg113Gly (NM_181674.3); c.148C>G, p.Arg50Gly (NM_181676.3); c.79C>G, p.Arg27Gly (NM_181677.2); short protein forms R105G, R113G, R27G, R36G, R47G, R50G, R53G.
Identifiers: ClinVar variation 3367589 (VCV003367589.1).

ClinVar aggregate classification (germline): Uncertain significance (1 of 4 stars; one submission).

Submission:

GeneDx
Classification: Uncertain significance. Last evaluated: 2024-01-04. Review status: criteria provided, single submitter. Criteria: GeneDx Variant Classification Process June 2021. Collection method: clinical testing. Allele origin: germline. Affected: yes.
Comment: Not observed at significant frequency in large population cohorts (gnomAD); In silico analysis supports that this missense variant has a deleterious effect on protein structure/function; Has not been previously published as pathogenic or benign to our knowledge